The following is an entry in ClinVar:

NM_000117.3(EMD):c.454C>T (p.Arg152Cys)

Gene: EMD (emerin; plus strand). Cytogenetic location: Xq28.
Variant type: single nucleotide variant.
Coding change: c.454C>T on transcript NM_000117.3 (MANE Select); coding-DNA position 454, C replaced by T.
Protein change: p.Arg152Cys; replaces arginine 152 with cysteine.
Molecular consequence: missense variant.
Genome position (GRCh38, 1-based): chrX:154,380,886, C>T. VCF-style: chrX-154380886-C-T. GRCh37 (hg19) VCF-style: chrX-153609246-C-T.
Other names: short protein forms R152C.
Identifiers: ClinVar variation 198043 (VCV000198043.27), dbSNP rs376456050, ClinGen allele CA246531.

ClinVar aggregate classification (germline): Conflicting classifications of pathogenicity. Review status: criteria provided, conflicting classifications (1 of 4 stars). 11 submissions from 11 submitters: Uncertain significance (4); Likely benign (2). 5 of the submissions do not count toward it. Last evaluated 2026-01-24.

Conditions:
Emery-Dreifuss muscular dystrophy 1, X-linked (EDMD1). Also called: SCAPULOPERONEAL SYNDROME, X-LINKED; HUMEROPERONEAL NEUROMUSCULAR DISEASE; Muscular dystrophy, tardive, Dreifuss-Emery type, with contractures; EMD-Related Emery-Dreifuss Muscular Dystrophy, X-Linked. Identifiers: MedGen CN375556, MONDO:0100531, OMIM 310300.
Cardiovascular phenotype. Identifiers: MedGen CN230736.
X-linked Emery-Dreifuss muscular dystrophy. Also called: Muscular dystrophy, tardive Emery-Dreifuss type, with contractures. Identifiers: Orphanet 261, Orphanet 98863, MedGen C0751337, MONDO:0010680.

Allele frequency attached by ClinVar (database versions not stated): TOPMed 0.00009; ExAC 0.00003; gnomAD exomes 0.00006.

Submissions (11):

Labcorp Genetics (formerly Invitae), Labcorp
Classification: Likely benign for X-linked Emery-Dreifuss muscular dystrophy. Last evaluated: 2026-01-24. Review status: criteria provided, single submitter. Criteria: Invitae Variant Classification Sherloc (09022015). Collection method: clinical testing. Allele origin: germline.

Women's Health and Genetics/Laboratory Corporation of America, LabCorp
Classification: Uncertain significance. Last evaluated: 2025-10-06. Review status: criteria provided, single submitter. Criteria: LabCorp Variant Classification Summary - May 2015. Collection method: clinical testing. Allele origin: germline.
Comment: Variant summary: EMD c.454C>T (p.Arg152Cys) results in a non-conservative amino acid change in the encoded protein sequence. Algorithms developed to predict the effect of missense changes on protein structure and function are either unavailable or do not agree on the potential impact of this missense change. The variant allele was found at a frequency of 6e-05 in 183082 control chromosomes (gnomAD v2). This frequency is not significantly higher than estimated for disease-causing variants in EMD, allowing no conclusion about variant significance. A total of 16 hemizygotes was reported in gnomAD v4. c.454C>T has been reported in the literature in individuals affected with cardiac myopathies, however, three publications classified the variant as VUS (example: Mook_2013, Paendonck-Zwarts_2014 and Verdonschot_2020). These report(s) do not provide unequivocal conclusions about association of the variant with Emery-Dreifuss Muscular Dystrophy. To our knowledge, no experimental evidence demonstrating an impact on protein function has been reported. The following publications have been ascertained in the context of this evaluation (PMID: 23785128, 37198425, 30847666, 32880476, 23349452). ClinVar contains an entry for this variant (Variation ID: 198043). Based on the evidence outlined above, the variant was classified as VUS-possibly benign.

Ambry Genetics
Classification: Uncertain significance for Cardiovascular phenotype. Last evaluated: 2025-01-25. Review status: criteria provided, single submitter. Criteria: Ambry Variant Classification Scheme 2023. Collection method: clinical testing. Allele origin: germline.
Comment: The p.R152C variant (also known as c.454C>T), located in coding exon 6 of the EMD gene, results from a C to T substitution at nucleotide position 454. The arginine at codon 152 is replaced by cysteine, an amino acid with highly dissimilar properties. This variant was reported in individual(s) with features consistent with dilated and hypertrophic cardiomyopathy (van Spaendonck-Zwarts KY et al. Eur J Heart Fail, 2013 Jun;15:628-36; Mook OR et al. J Med Genet, 2013 Sep;50:614-26; van Lint FHM et al. Neth Heart J, 2019 Jun;27:304-309). Based on data from gnomAD, the T allele has an overall frequency of 0.006% (11/183082) total alleles studied, with 3 hemizygote(s) observed. The highest observed frequency was 0.011% (9/81667) of European (non-Finnish) alleles. This amino acid position is well conserved in available vertebrate species. In addition, this alteration is predicted to be tolerated by in silico analysis. Based on the available evidence, the clinical significance of this variant remains unclear.

Revvity Omics, Revvity
Classification: Uncertain significance for Emery-Dreifuss muscular dystrophy 1, X-linked. Last evaluated: 2019-12-30. Review status: criteria provided, single submitter. Criteria: ACMG Guidelines, 2015. Collection method: clinical testing. Allele origin: germline.

Athena Diagnostics
Classification: Likely benign. Last evaluated: 2019-03-26. Review status: criteria provided, single submitter. Criteria: Athena Diagnostics Criteria. Collection method: clinical testing. Allele origin: germline.

Eurofins Ntd Llc (ga)
Classification: Uncertain significance. Last evaluated: 2017-10-10. Review status: criteria provided, single submitter. Criteria: EGL Classification Definitions 2015. Collection method: clinical testing. Allele origin: germline. Observed: 3 variant alleles, 2 heterozygotes, 1 hemizygote.

Clinical Genetics DNA and cytogenetics Diagnostics Lab, Erasmus MC, Erasmus Medical Center
Classification: Uncertain significance. Review status: no assertion criteria provided. Collection method: clinical testing. Allele origin: germline. Affected: yes. Study: VKGL Data-share Consensus. Not counted in ClinVar's aggregate classification.

Clinical Genetics, Academic Medical Center
Classification: Uncertain significance. Review status: no assertion criteria provided. Collection method: clinical testing. Allele origin: germline. Affected: yes. Study: VKGL Data-share Consensus. Not counted in ClinVar's aggregate classification.

Diagnostic Laboratory, Department of Genetics, University Medical Center Groningen
Classification: Uncertain significance for Emery-Dreifuss muscular dystrophy 1, X-linked. Review status: no assertion criteria provided. Collection method: clinical testing. Allele origin: germline. Affected: yes. Study: VKGL Data-share Consensus. Not counted in ClinVar's aggregate classification.

Genome Diagnostics Laboratory, University Medical Center Utrecht
Classification: Uncertain significance. Review status: no assertion criteria provided. Collection method: clinical testing. Allele origin: germline. Affected: yes. Study: VKGL Data-share Consensus. Not counted in ClinVar's aggregate classification.

Joint Genome Diagnostic Labs from Nijmegen and Maastricht, Radboudumc and MUMC+
Classification: Uncertain significance. Review status: no assertion criteria provided. Collection method: clinical testing. Allele origin: germline. Affected: yes. Study: VKGL Data-share Consensus. Not counted in ClinVar's aggregate classification.

Literature cited by the submitters: PubMed 23785128 (cited by 4 submitters); PubMed 23349452 (cited by 3 submitters); PubMed 30847666 (cited by Women's Health and Genetics/Laboratory Corporation of America, LabCorp and Ambry Genetics); PubMed 32880476 (cited by Women's Health and Genetics/Laboratory Corporation of America, LabCorp); PubMed 37198425 (cited by Women's Health and Genetics/Laboratory Corporation of America, LabCorp); PubMed 26187847 (cited by Athena Diagnostics).